The following is an entry in ClinVar:

ClinVar aggregate classification (germline): Uncertain significance. Review status: criteria provided, multiple submitters, no conflicts (2 of 4 stars). 2 submissions from 2 submitters: Uncertain significance (2). Last evaluated 2023-03-01.

Conditions:
Autosomal dominant Alport syndrome (ATS3A). Also called: Alport syndrome dominant type; Renal failure and sensorineural hearing loss; ALPORT SYNDROME 3A, AUTOSOMAL DOMINANT. Identifiers: Orphanet 63, Orphanet 88918, MedGen C5882663, MONDO:0007086, OMIM 104200.

Allele frequency attached by ClinVar (database versions not stated): gnomAD 0.00003; ExAC 0.00006; 1000 Genomes Project 30x 0.00016; 1000 Genomes Project 0.00020.
gnomAD v4.1: 42 of 1,613,484 alleles (0.0026%); highest among the groups gnomAD compares: Admixed American, 0.0033%; no homozygotes.

Submissions (2):

Neuberg Centre For Genomic Medicine, NCGM
Classification: Uncertain significance for Autosomal dominant Alport syndrome. Last evaluated: 2023-03-01. Review status: criteria provided, single submitter. Criteria: ACMG Guidelines, 2015. Collection method: clinical testing. Allele origin: germline. Inheritance: Autosomal dominant inheritance. Affected: yes.
Comment: The missense c.3949G>A(p.Val1317Met) variant in COL4A3 gene has not been reported previously as a pathogenic variant nor as a benign variant, to our knowledge. This variant is reported with the allele frequency of 0.004% in the gnomAD Exomes and novel in 1000 Genomes. The amino acid Val at position 1317 is changed to a Met changing protein sequence and it might alter its composition and physico-chemical properties. The amino acid change p.Val1317Met in COL4A3 is predicted as conserved by PhyloP across 100 vertebrates. For these reasons, this variant has been classified as Uncertain Significance.

Labcorp Genetics (formerly Invitae), Labcorp
Classification: Uncertain significance. Last evaluated: 2022-07-07. Review status: criteria provided, single submitter. Criteria: Invitae Variant Classification Sherloc (09022015). Collection method: clinical testing. Allele origin: germline.
Comment: This sequence change replaces valine, which is neutral and non-polar, with methionine, which is neutral and non-polar, at codon 1317 of the COL4A3 protein (p.Val1317Met). This variant is present in population databases (rs200017859, gnomAD 0.007%). This variant has not been reported in the literature in individuals affected with COL4A3-related conditions. Advanced modeling of protein sequence and biophysical properties (such as structural, functional, and spatial information, amino acid conservation, physicochemical variation, residue mobility, and thermodynamic stability) performed at Invitae indicates that this missense variant is not expected to disrupt COL4A3 protein function. In summary, the available evidence is currently insufficient to determine the role of this variant in disease. Therefore, it has been classified as a Variant of Uncertain Significance.

NM_000091.5(COL4A3):c.3949G>A (p.Val1317Met)

Genes: COL4A3 (collagen type IV alpha 3 chain; plus strand), MFF-DT (MFF divergent transcript; minus strand). Cytogenetic location: 2q36.3.
Variant type: single nucleotide variant.
Coding change: c.3949G>A on transcript NM_000091.5 (MANE Select); coding-DNA position 3949, G replaced by A.
Protein change: p.Val1317Met; replaces valine 1317 with methionine.
Molecular consequence: missense variant.
Genome position (GRCh38, 1-based): chr2:227,303,104, G>A. VCF-style: chr2-227303104-G-A. GRCh37 (hg19) VCF-style: chr2-228167820-G-A.
Other names: short protein forms V1317M.
Identifiers: ClinVar variation 2416698 (VCV002416698.3), dbSNP rs200017859, ClinGen allele CA2147394.